The following is an entry in ClinVar:

NM_152564.5(VPS13B):c.5903G>T (p.Cys1968Phe)

Gene: VPS13B (vacuolar protein sorting 13 homolog B; plus strand). Cytogenetic location: 8q22.2.
Variant type: single nucleotide variant.
Coding change: c.5903G>T on transcript NM_152564.5 (MANE Select); coding-DNA position 5903, G replaced by T.
Protein change: p.Cys1968Phe; replaces cysteine 1968 with phenylalanine.
Molecular consequence: missense variant.
Genome position (GRCh38, 1-based): chr8:99,642,493, G>T. VCF-style: chr8-99642493-G-T. GRCh37 (hg19) VCF-style: chr8-100654721-G-T.
Other names: c.5978G>T, p.Cys1993Phe (NM_017890.5); short protein forms C1993F, C1968F.
Identifiers: ClinVar variation 4996341 (VCV004996341.1).

ClinVar aggregate classification (germline): Uncertain significance (1 of 4 stars; one submission).

Conditions:
VPS13B-related disorder. Also called: VPS13B-related condition.

gnomAD v4.1: 2 of 1,611,704 alleles (0.00012%); highest among the groups gnomAD compares: East Asian, 0.0022%; no homozygotes.

Submission:

PreventionGenetics, part of Exact Sciences
Classification: Uncertain significance for VPS13B-related condition. Last evaluated: 2025-10-17. Review status: criteria provided, single submitter. Criteria: ACMG Guidelines, 2015. Collection method: clinical testing. Allele origin: germline.
Comment: The VPS13B c.5903G>T variant is predicted to result in the amino acid substitution p.Cys1968Phe. To our knowledge, this variant has not been reported in the literature or in a large population database (gnomAD), indicating this variant is rare. At this time, the clinical significance of this variant is uncertain due to the absence of conclusive functional and genetic evidence.